The following is an entry in ClinVar:

NM_000032.5(ALAS2):c.905T>C (p.Phe302Ser)

Gene: ALAS2 (5'-aminolevulinate synthase 2; minus strand). Cytogenetic location: Xp11.21.
Variant type: single nucleotide variant.
Coding change: c.905T>C on transcript NM_000032.5 (MANE Select); coding-DNA position 905, T replaced by C.
Protein change: p.Phe302Ser; replaces phenylalanine 302 with serine.
Molecular consequence: missense variant.
Genome position (GRCh38, 1-based): chrX:55,017,584, A>G on the plus strand (T>C on the coding strand, the complement: ALAS2 is on the minus strand). VCF-style: chrX-55017584-A-G. GRCh37 (hg19) VCF-style: chrX-55044017-A-G.
Other names: c.794T>C, p.Phe265Ser (NM_001037967.4); c.866T>C, p.Phe289Ser (NM_001037968.4); short protein forms F265S, F289S, F302S.
Identifiers: ClinVar variation 4683078 (VCV004683078.1).

ClinVar aggregate classification (germline): Likely pathogenic (0 of 4 stars; one submission).

Conditions:
X-linked sideroblastic anemia 1. Also called: Erythroid 5-aminolevulinate synthase deficiency; X chromosome-linked sideroblastic anemia; X-linked pyridoxine-refractory sideroblastic anemia; ANEMIA, SIDEROBLASTIC, 1, PYRIDOXINE REFRACTORY; Anemia, hereditary sideroblastic 1, pyridoxine refractory; Anemia, sideroblastic, 1. Identifiers: Orphanet 75563, MedGen C4551511, MONDO:0020721, OMIM 300751. Disease mechanism: loss of function.

Submission:

Department of Hematology and Central Hematological Laboratory, Inselspital, Bern University Hospital, University of Bern
Classification: Likely pathogenic for X-linked sideroblastic anemia 1. Last evaluated: 2025-12-09. Review status: no assertion criteria provided. Criteria: ACMG Guidelines, 2015. Collection method: clinical testing. Allele origin: de novo. Inheritance: X-linked recessive inheritance. Affected: yes. Observed: 1 hemizygote.
Comment: According to ACMG criteria the c.905T>C, p.(Phe302Ser) missense variant in the ALAS2 gene described here is classified as probably pathogenic according to ACMG criteria. It is not known in any population database and has not been previously described in the literature. Bioinformatically, the variant is rated as pathogenic. The affected amino acid is highly conserved.